The following is an entry in ClinVar:

NM_032578.4(MYPN):c.903-6045C>T

Gene: MYPN (myopalladin; plus strand). Cytogenetic location: 10q21.3.
Variant type: single nucleotide variant.
Coding change: c.903-6045C>T on transcript NM_032578.4 (MANE Select); 6045 bases into the intron before coding-DNA position 903, C replaced by T.
Molecular consequence: intron variant.
Genome position (GRCh38, 1-based): chr10:68,136,895, C>T. VCF-style: chr10-68136895-C-T. GRCh37 (hg19) VCF-style: chr10-69896652-C-T.
Other names: c.903-6045C>T (NM_001256267.2); c.20+164C>T (NM_001256268.2).
Identifiers: ClinVar variation 675653 (VCV000675653.1), dbSNP rs78068547, ClinGen allele CA209187159.
Genomic context (GRCh38, chr10:68,136,895, plus strand): 5'-TTAATAGAGTTACATTGCTTTAAAAGCCAAATGTTATTAAAGAACAGACCATTTTCAACT[C>T]TTTTTTGCAATTTTCTGTTTATTTACCTCTAGCTTCTAAATAACATGCCAGTGGTTCAAA-3'

ClinVar aggregate classification (germline): Likely benign (1 of 4 stars; one submission).

Allele frequency attached by ClinVar (database versions not stated): gnomAD 0.01132 and 0.01837; TOPMed 0.01511; 1000 Genomes Project 30x 0.08026; 1000 Genomes Project 0.08606.
gnomAD v4.1: 2,769 of 152,212 alleles (1.8%); highest among the groups gnomAD compares: East Asian, 21%; 198 homozygotes.

Submission:

GeneDx
Classification: Likely benign. Last evaluated: 2018-06-16. Review status: criteria provided, single submitter. Criteria: GeneDx Variant Classification (06012015). Collection method: clinical testing. Allele origin: germline. Affected: yes.
Comment: This variant is considered likely benign or benign based on one or more of the following criteria: it is a conservative change, it occurs at a poorly conserved position in the protein, it is predicted to be benign by multiple in silico algorithms, and/or has population frequency not consistent with disease.